The following is an entry in ClinVar:

ClinVar aggregate classification (germline): Likely pathogenic. Review status: criteria provided, multiple submitters, no conflicts (2 of 4 stars). 2 submissions from 2 submitters: Likely pathogenic (2). Last evaluated 2017-11-27.

Conditions:
Early-onset myopathy with fatal cardiomyopathy (CMYO5). Also called: CONGENITAL MYOPATHY 5 WITH CARDIOMYOPATHY; Salih Myopathy. Identifiers: Orphanet 289377, MedGen C2673677, MONDO:0012714, OMIM 611705. Disease mechanism: loss of function.
Tibial muscular dystrophy (TMD). Also called: Udd Distal Myopathy – Tibial Muscular Dystrophy; Tibial muscular dystrophy, tardive; UDD MYOPATHY. Identifiers: Orphanet 609, MedGen C1838244, MONDO:0010870, OMIM 600334.
Hypertrophic cardiomyopathy 9. Also called: Familial hypertrophic cardiomyopathy 9. Identifiers: MedGen C1861065, MONDO:0013412, OMIM 613765.
Dilated cardiomyopathy 1G (CMD1G). Identifiers: Orphanet 154, MedGen C1858763, MONDO:0011400, OMIM 604145.
Myopathy, myofibrillar, 9, with early respiratory failure (MFM9). Also called: EDSTROM MYOPATHY; MYOPATHY, PROXIMAL, WITH EARLY RESPIRATORY MUSCLE INVOLVEMENT; Hereditary myopathy with early respiratory failure; Myopathy, distal, with early respiratory failure, autosomal dominant. Identifiers: Orphanet 178464, Orphanet 34521, MedGen C1863599, MONDO:0011362, OMIM 603689.
Autosomal recessive limb-girdle muscular dystrophy type 2J (LGMDR10). Also called: Limb-girdle muscular dystrophy, type 2J; MUSCULAR DYSTROPHY, LIMB-GIRDLE, AUTOSOMAL RECESSIVE 10. Identifiers: Orphanet 140922, MedGen C1837342, MONDO:0012127, OMIM 608807.

Submissions (2):

GeneDx
Classification: Likely pathogenic. Last evaluated: 2017-11-27. Review status: criteria provided, single submitter. Criteria: GeneDx Variant Classification (06012015). Collection method: clinical testing. Allele origin: germline. Affected: yes.
Comment: The L21947X likely pathogenic variant in the TTN gene has not been reported as pathogenic or benign to our knowledge. This novel variant is not observed in large population cohorts (Lek et al., 2016). The L21947X variant is predicted to cause loss of normal protein function either by protein truncation or nonsense-mediated mRNA decay. Although other truncating TTN variants have been reported in approximately 3% of control alleles, L21947X is located in the A-band region of titin, where the majority of truncating pathogenic variants associated with DCM have been reported (Herman et al., 2012).In summary, L21947X in the TTN gene is interpreted as a likely pathogenic variant.

Juno Genomics, Hangzhou Juno Genomics, Inc
Classification: Likely pathogenic for Early-onset myopathy with fatal cardiomyopathy; Dilated cardiomyopathy 1G; Hypertrophic cardiomyopathy 9; Autosomal recessive limb-girdle muscular dystrophy type 2J; Myopathy, myofibrillar, 9, with early respiratory failure; Tibial muscular dystrophy. Review status: criteria provided, single submitter. Criteria: ACMG Guidelines, 2015. Collection method: clinical testing. Allele origin: germline.
Comment: Absent from controls (or at extremely low frequency if recessive) in Genome Aggregation Database.;Null variant in a gene where loss of function (LOF) is a known mechanism of disease.

NM_001267550.2(TTN):c.70763T>G (p.Leu23588Ter)

Genes: TTN (titin; minus strand), TTN-AS1 (TTN antisense RNA 1; plus strand). Cytogenetic location: 2q31.2.
Variant type: single nucleotide variant.
Coding change: c.70763T>G on transcript NM_001267550.2 (MANE Select); coding-DNA position 70763, T replaced by G.
Protein change: p.Leu23588Ter; replaces leucine 23588 with a stop codon.
Molecular consequence: nonsense.
Genome position (GRCh38, 1-based): chr2:178,575,369, A>C on the plus strand (T>G on the coding strand, the complement: TTN is on the minus strand). VCF-style: chr2-178575369-A-C. GRCh37 (hg19) VCF-style: chr2-179440096-A-C.
Other names: c.65840T>G, p.Leu21947Ter (NM_001256850.1); c.43568T>G, p.Leu14523Ter (NM_003319.4); c.63059T>G, p.Leu21020Ter (NM_133378.4); c.43943T>G, p.Leu14648Ter (NM_133432.3); c.44144T>G, p.Leu14715Ter (NM_133437.4); short protein forms L21947*, L23588*, L21020*, L14523*, L14648*, L14715*.
Identifiers: ClinVar variation 489151 (VCV000489151.5), dbSNP rs1553612999, ClinGen allele CA349661349.